The following is an entry in ClinVar:

ClinVar aggregate classification (germline): Uncertain significance (1 of 4 stars; one submission).

Allele frequency attached by ClinVar (database versions not stated): gnomAD exomes below 0.00001 and 0.00001; ExAC 0.00002.
gnomAD v4.1: 2 of 1,614,100 alleles (0.00012%); highest among the groups gnomAD compares: Non-Finnish European, 0.00017%; no homozygotes.

Submission:

Labcorp Genetics (formerly Invitae), Labcorp
Classification: Uncertain significance. Last evaluated: 2021-09-27. Review status: criteria provided, single submitter. Criteria: Invitae Variant Classification Sherloc (09022015). Collection method: clinical testing. Allele origin: germline.
Comment: This variant has not been reported in the literature in individuals affected with POLR1A-related conditions. This variant is present in population databases (rs772936701, ExAC 0.003%). This sequence change replaces proline with leucine at codon 1451 of the POLR1A protein (p.Pro1451Leu). The proline residue is weakly conserved and there is a moderate physicochemical difference between proline and leucine. In summary, the available evidence is currently insufficient to determine the role of this variant in disease. Therefore, it has been classified as a Variant of Uncertain Significance. Algorithms developed to predict the effect of missense changes on protein structure and function are either unavailable or do not agree on the potential impact of this missense change (SIFT: "Not Available"; PolyPhen-2: "Benign"; Align-GVGD: "Not Available").

NM_015425.6(POLR1A):c.4352C>T (p.Pro1451Leu)

Gene: POLR1A (RNA polymerase I subunit A; minus strand). Cytogenetic location: 2p11.2.
Variant type: single nucleotide variant.
Coding change: c.4352C>T on transcript NM_015425.6 (MANE Select); coding-DNA position 4352, C replaced by T.
Protein change: p.Pro1451Leu; replaces proline 1451 with leucine.
Molecular consequence: missense variant.
Genome position (GRCh38, 1-based): chr2:86,031,556, G>A on the plus strand (C>T on the coding strand, the complement: POLR1A is on the minus strand). VCF-style: chr2-86031556-G-A. GRCh37 (hg19) VCF-style: chr2-86258679-G-A.
Other names: short protein forms P1451L.
Identifiers: ClinVar variation 1372207 (VCV001372207.6), dbSNP rs772936701, ClinGen allele CA1745508.